The following is an entry in ClinVar:

NM_001199138.2(NLRC4):c.334C>T (p.Pro112Ser)

Gene: NLRC4 (NLR family CARD domain containing 4; minus strand). Cytogenetic location: 2p22.3.
Variant type: single nucleotide variant.
Coding change: c.334C>T on transcript NM_001199138.2 (MANE Select); coding-DNA position 334, C replaced by T.
Protein change: p.Pro112Ser; replaces proline 112 with serine.
Molecular consequence: missense variant. On other transcripts: intron variant (1).
Genome position (GRCh38, 1-based): chr2:32,251,530, G>A on the plus strand (C>T on the coding strand, the complement: NLRC4 is on the minus strand). VCF-style: chr2-32251530-G-A. GRCh37 (hg19) VCF-style: chr2-32476599-G-A.
Other names: c.334C>T, p.Pro112Ser (NM_001199139.2, NM_021209.5); c.262+889C>T (NM_001302504.1); short protein forms P112S.
Identifiers: ClinVar variation 3757335 (VCV003757335.2).

ClinVar aggregate classification (germline): Uncertain significance (1 of 4 stars; one submission).

Conditions:
Periodic fever-infantile enterocolitis-autoinflammatory syndrome. Also called: Autoinflammation with infantile enterocolitis. Identifiers: Orphanet 436166, MedGen C4015067, MONDO:0014472, OMIM 616050.
Familial cold autoinflammatory syndrome 4 (FCAS4). Identifiers: Orphanet 47045, Orphanet 576349, MedGen C4015276, MONDO:0014498, OMIM 616115.

gnomAD v4.1: 1 of 1,613,918 alleles (0.000062%); highest among the groups gnomAD compares: African/African-American, 0.0013%; no homozygotes.

Submission:

Labcorp Genetics (formerly Invitae), Labcorp
Classification: Uncertain significance for Periodic fever-infantile enterocolitis-autoinflammatory syndrome; Familial cold autoinflammatory syndrome 4. Last evaluated: 2024-07-21. Review status: criteria provided, single submitter. Criteria: Invitae Variant Classification Sherloc (09022015). Collection method: clinical testing. Allele origin: germline.
Comment: This sequence change replaces proline, which is neutral and non-polar, with serine, which is neutral and polar, at codon 112 of the NLRC4 protein (p.Pro112Ser). This variant is not present in population databases (gnomAD no frequency). This variant has not been reported in the literature in individuals affected with NLRC4-related conditions. Advanced modeling of protein sequence and biophysical properties (such as structural, functional, and spatial information, amino acid conservation, physicochemical variation, residue mobility, and thermodynamic stability) performed at Invitae indicates that this missense variant is not expected to disrupt NLRC4 protein function with a negative predictive value of 80%. In summary, the available evidence is currently insufficient to determine the role of this variant in disease. Therefore, it has been classified as a Variant of Uncertain Significance.